The following is an entry in ClinVar:

NM_003049.4(SLC10A1):c.176A>G (p.Lys59Arg)

Gene: SLC10A1 (solute carrier family 10 member 1; minus strand). Cytogenetic location: 14q24.1.
Variant type: single nucleotide variant.
Coding change: c.176A>G on transcript NM_003049.4 (MANE Select); coding-DNA position 176, A replaced by G.
Protein change: p.Lys59Arg; replaces lysine 59 with arginine.
Molecular consequence: missense variant.
Genome position (GRCh38, 1-based): chr14:69,796,980, T>C on the plus strand (A>G on the coding strand, the complement: SLC10A1 is on the minus strand). VCF-style: chr14-69796980-T-C. GRCh37 (hg19) VCF-style: chr14-70263697-T-C.
Other names: short protein forms K59R.
Identifiers: ClinVar variation 5000814 (VCV005000814.1).
Genomic context (GRCh38, chr14:69,796,980, plus strand): 5'-AGCACAAAGGCCGTGAGGGGCATGATGCCATACTGTGCCACCAGGGCGATGGCCAGCCCT[T>C]TAGGCTTCCATAAGTGAGCCTTGATCTTGCTGAACTCCATGGTGCAGCCCAGCGAGAGCA-3'
Protein context (NP_003040.1, residues 49-69): SKIKAHLWKP[Lys59Arg]GLAIALVAQY

ClinVar aggregate classification (germline): Uncertain significance (1 of 4 stars; one submission).

Conditions:
SLC10A1-related disorder. Also called: SLC10A1-related condition.

Submission:

PreventionGenetics, part of Exact Sciences
Classification: Uncertain significance for SLC10A1-related condition. Last evaluated: 2025-01-31. Review status: criteria provided, single submitter. Criteria: ACMG Guidelines, 2015. Collection method: clinical testing. Allele origin: germline.
Comment: The SLC10A1 c.176A>G variant is predicted to result in the amino acid substitution p.Lys59Arg. To our knowledge, this variant has not been reported in the literature or in a large population database (gnomAD), indicating this variant is rare. At this time, the clinical significance of this variant is uncertain due to the absence of conclusive functional and genetic evidence.